The following is an entry in ClinVar:

ClinVar aggregate classification (germline): Uncertain significance (1 of 4 stars; one submission).

Conditions:
Brugada syndrome 8 (BRGDA8). Identifiers: Orphanet 130, MedGen C2751083, MONDO:0013148, OMIM 613123.

Submission:

Labcorp Genetics (formerly Invitae), Labcorp
Classification: Uncertain significance for Brugada syndrome 8. Last evaluated: 2024-10-10. Review status: criteria provided, single submitter. Criteria: Invitae Variant Classification Sherloc (09022015). Collection method: clinical testing. Allele origin: germline.
Comment: This sequence change replaces proline, which is neutral and non-polar, with leucine, which is neutral and non-polar, at codon 202 of the HCN4 protein (p.Pro202Leu). This variant is present in population databases (no rsID available, gnomAD 0.01%). This variant has not been reported in the literature in individuals affected with HCN4-related conditions. Invitae Evidence Modeling of protein sequence and biophysical properties (such as structural, functional, and spatial information, amino acid conservation, physicochemical variation, residue mobility, and thermodynamic stability) indicates that this missense variant is not expected to disrupt HCN4 protein function with a negative predictive value of 95%. In summary, the available evidence is currently insufficient to determine the role of this variant in disease. Therefore, it has been classified as a Variant of Uncertain Significance.

NM_005477.3(HCN4):c.605C>T (p.Pro202Leu)

Gene: HCN4 (hyperpolarization activated cyclic nucleotide gated potassium channel 4; minus strand). Cytogenetic location: 15q24.1.
Variant type: single nucleotide variant.
Coding change: c.605C>T on transcript NM_005477.3 (MANE Select); coding-DNA position 605, C replaced by T.
Protein change: p.Pro202Leu; replaces proline 202 with leucine.
Molecular consequence: missense variant.
Genome position (GRCh38, 1-based): chr15:73,367,666, G>A on the plus strand (C>T on the coding strand, the complement: HCN4 is on the minus strand). VCF-style: chr15-73367666-G-A. GRCh37 (hg19) VCF-style: chr15-73660007-G-A.
Other names: short protein forms P202L.
Identifiers: ClinVar variation 3619429 (VCV003619429.2).